The following is an entry in ClinVar:

NM_170606.3(KMT2C):c.9974G>T (p.Ser3325Ile)

Gene: KMT2C (lysine methyltransferase 2C; minus strand). Cytogenetic location: 7q36.1.
Variant type: single nucleotide variant.
Coding change: c.9974G>T on transcript NM_170606.3 (MANE Select); coding-DNA position 9974, G replaced by T.
Protein change: p.Ser3325Ile; replaces serine 3325 with isoleucine.
Molecular consequence: missense variant.
Genome position (GRCh38, 1-based): chr7:152,163,603, C>A on the plus strand (G>T on the coding strand, the complement: KMT2C is on the minus strand). VCF-style: chr7-152163603-C-A. GRCh37 (hg19) VCF-style: chr7-151860688-C-A.
Other names: short protein forms S3325I.
Identifiers: ClinVar variation 134801 (VCV000134801.8), dbSNP rs202148187, ClinGen allele CA160771.

ClinVar aggregate classification (germline): Benign. Review status: criteria provided, single submitter (1 of 4 stars). 2 submissions from 2 submitters: Benign (1). 1 of the submissions does not count toward it. Last evaluated 2025-03-10.

Allele frequency attached by ClinVar (database versions not stated): ESP Exome Variant Server 0.00008; gnomAD 0.00013; TOPMed 0.00018.
gnomAD v4.1: 262 of 1,605,826 alleles (0.016%); highest among the groups gnomAD compares: Admixed American, 0.0067%; 1 homozygote.

Submissions (2):

Labcorp Genetics (formerly Invitae), Labcorp
Classification: Benign. Last evaluated: 2025-03-10. Review status: criteria provided, single submitter. Criteria: Invitae Variant Classification Sherloc (09022015). Collection method: clinical testing. Allele origin: germline.

ITMI
No classification provided. Condition: AllHighlyPenetrant. Last evaluated: 2013-09-19. Review status: no classification provided. Collection method: reference population. Allele origin: germline. Not counted in ClinVar's aggregate classification.
Comment: Please see associated publication for description of ethnicities

Literature cited by the submitters: PubMed 24728327 (cited by ITMI).